The following is an entry in ClinVar:

ClinVar aggregate classification (germline): Uncertain significance. Review status: criteria provided, multiple submitters, no conflicts (2 of 4 stars). 3 submissions from 3 submitters: Uncertain significance (3). Last evaluated 2025-06-17.

Conditions:
Autoinflammation-PLCG2-associated antibody deficiency-immune dysregulation. Also called: AUTOINFLAMMATION, ANTIBODY DEFICIENCY, AND IMMUNE DYSREGULATION; Autoinflammation, antibody deficiency, and immune dysregulation, plcg2-associated; Autoinflammation, antibody deficiency, and immune dysregulation syndrome. Identifiers: Orphanet 324530, MedGen C3553961, MONDO:0013944, OMIM 614878.
Familial cold autoinflammatory syndrome 3 (FCAS3). Also called: FAMILIAL ATYPICAL COLD URTICARIA; ANTIBODY DEFICIENCY AND IMMUNE DYSREGULATION, PLCG2-ASSOCIATED. Identifiers: Orphanet 300359, MedGen C3280914, MONDO:0013766, OMIM 614468.

Allele frequency attached by ClinVar (database versions not stated): gnomAD 0.00001 and 0.00003; gnomAD exomes 0.00002; ExAC 0.00003.
gnomAD v4.1: 27 of 1,613,520 alleles (0.0017%); highest among the groups gnomAD compares: Middle Eastern, 0.017%; no homozygotes.

Submissions (3):

Labcorp Genetics (formerly Invitae), Labcorp
Classification: Uncertain significance for Familial cold autoinflammatory syndrome 3. Last evaluated: 2025-06-17. Review status: criteria provided, single submitter. Criteria: Invitae Variant Classification Sherloc (09022015). Collection method: clinical testing. Allele origin: germline.
Comment: This sequence change replaces arginine, which is basic and polar, with cysteine, which is neutral and slightly polar, at codon 742 of the PLCG2 protein (p.Arg742Cys). This variant is present in population databases (rs776768909, gnomAD 0.007%). This missense change has been observed in individual(s) with clinical features of PLCG2-related conditions (PMID: 37769878). ClinVar contains an entry for this variant (Variation ID: 950767). An algorithm developed to predict the effect of missense changes on protein structure and function (PolyPhen-2) suggests that this variant is likely to be disruptive. Experimental studies are conflicting or provide insufficient evidence to determine the effect of this variant on PLCG2 function (PMID: 37769878). In summary, the available evidence is currently insufficient to determine the role of this variant in disease. Therefore, it has been classified as a Variant of Uncertain Significance.

CeGaT Center for Human Genetics Tuebingen
Classification: Uncertain significance. Last evaluated: 2022-08-01. Review status: criteria provided, single submitter. Criteria: CeGaT Center For Human Genetics Tuebingen Variant Classification Criteria Version 2. Collection method: clinical testing. Allele origin: germline. Affected: yes. Observed: 1 variant allele.

Fulgent Genetics
Classification: Uncertain significance for Familial cold autoinflammatory syndrome 3; Autoinflammation-PLCG2-associated antibody deficiency-immune dysregulation. Last evaluated: 2022-04-02. Review status: criteria provided, single submitter. Criteria: ACMG Guidelines, 2015. Collection method: clinical testing. Allele origin: unknown.

Literature cited by the submitters: PubMed 37769878 (cited by Labcorp Genetics (formerly Invitae), Labcorp).

NM_002661.5(PLCG2):c.2224C>T (p.Arg742Cys)

Gene: PLCG2 (phospholipase C gamma 2; plus strand). Cytogenetic location: 16q23.3.
Variant type: single nucleotide variant.
Coding change: c.2224C>T on transcript NM_002661.5 (MANE Select); coding-DNA position 2224, C replaced by T.
Protein change: p.Arg742Cys; replaces arginine 742 with cysteine.
Molecular consequence: missense variant.
Genome position (GRCh38, 1-based): chr16:81,919,653, C>T. VCF-style: chr16-81919653-C-T. GRCh37 (hg19) VCF-style: chr16-81953258-C-T.
Other names: short protein forms R742C.
Identifiers: ClinVar variation 950767 (VCV000950767.35), dbSNP rs776768909, ClinGen allele CA8194122.